The following is an entry in ClinVar:

NM_000038.6(APC):c.2879del (p.Ser959_Ser960insTer)

Gene: APC (APC regulator of Wnt signaling pathway; plus strand). Cytogenetic location: 5q22.2.
Variant type: Deletion.
Coding change: c.2879del on transcript NM_000038.6 (MANE Select); coding-DNA position 2879, one base deleted (C; older notation c.2879delC).
Protein change: p.Ser959_Ser960insTer.
Molecular consequence: nonsense. On other transcripts: frameshift variant (20).
Genome position (GRCh38, 1-based): chr5:112,838,473, C deleted. VCF-style (leftmost placement, unchanged base first): chr5-112838472-TC-T. GRCh37 (hg19) VCF-style: chr5-112174169-TC-T.
Other names: c.2879del, p.Ser959_Ser960insTer (NM_001127510.3, NM_001354895.2); c.2825del, p.Ser941_Ser942insTer (NM_001127511.3); c.2933del, p.Ser977_Ser978insTer (NM_001354896.2); c.2909del, p.Ser969_Ser970insTer (NM_001354897.2); c.2804del, p.Ser934_Ser935insTer (NM_001354898.2); c.2795del, p.Ser931_Ser932insTer (NM_001354899.2); c.2756del, p.Ser918_Ser919insTer (NM_001354900.2); c.2702del, p.Ser900_Ser901insTer (NM_001354901.2); and 16 more.
Identifiers: ClinVar variation 2132968 (VCV002132968.4), dbSNP rs2533456423, ClinGen allele CA2580072813.

ClinVar aggregate classification (germline): Pathogenic (1 of 4 stars; one submission).

Conditions:
Familial adenomatous polyposis 1 (FAP1). Also called: POLYPOSIS, ADENOMATOUS INTESTINAL; FAMILIAL ADENOMATOUS POLYPOSIS 1, ATTENUATED. Identifiers: MedGen C2713442, MONDO:0021056, OMIM 175100. Disease mechanism: loss of function.

Submission:

Labcorp Genetics (formerly Invitae), Labcorp
Classification: Pathogenic for Familial adenomatous polyposis 1. Last evaluated: 2022-05-04. Review status: criteria provided, single submitter. Criteria: Invitae Variant Classification Sherloc (09022015). Collection method: clinical testing. Allele origin: germline.
Comment: This sequence change creates a premature translational stop signal (p.Ser960*) in the APC gene. While this is not anticipated to result in nonsense mediated decay, it is expected to disrupt the last 1884 amino acid(s) of the APC protein. This variant is expected to disrupt the EB1 and HDLG binding sites, which mediate interactions with the cytoskeleton (PMID: 15311282, 17293347). While functional studies have not been performed to directly test the effect on APC protein function, this suggests that disruption of the C-terminal portion of the protein is functionally important. For these reasons, this variant has been classified as Pathogenic. A different truncation (p.Tyr2645Lysfs*14) that lies downstream of this variant has been determined to be pathogenic (PMID: 9824584, 1316610, 27081525, 8381579, 22135120, Invitae). This suggests that deletion of this region of the APC protein is causative of disease. This variant has not been reported in the literature in individuals affected with APC-related conditions. This variant is not present in population databases (gnomAD no frequency).

Literature cited by the submitters: PubMed 15311282; PubMed 17293347; PubMed 9824584; PubMed 1316610; PubMed 27081525; PubMed 8381579; PubMed 22135120.